The following is an entry in ClinVar:

NC_000010.10:g.(?_12110952)_(12165221_?)dup

Gene: DHTKD1 (dehydrogenase E1 and transketolase domain containing 1; plus strand). Cytogenetic location: 10p14.
Variant type: Duplication.
Identifiers: ClinVar variation 4687490 (VCV004687490.1).

ClinVar aggregate classification (germline): Likely benign (1 of 4 stars; one submission).

Submission:

Women's Health and Genetics/Laboratory Corporation of America, LabCorp
Classification: Likely benign. Last evaluated: 2025-10-07. Review status: criteria provided, single submitter. Criteria: LabCorp Variant Classification Summary - May 2015. Collection method: clinical testing. Allele origin: germline.
Comment: Variant summary: The variant involves the duplication of exons 1-17 in the DHTKD1 gene. A presumed nomenclature of c.(?_-81)_(*2334_?)dup has been designated for the purposes of this classification. This duplication includes the entire coding sequence of the gene. As exact breakpoints are unknown, it may extend beyond the annotated region of the gene, to include other flanking genes. A large duplication variant (size: ~65.6 kbp) involving the DHTKD1 gene was found at a frequency of 0.0037 in 120776 control chromosomes, predominantly at a frequency of 0.012 within the African or African-American subpopulation in the gnomAD database. The observed variant frequency within African or African-American control individuals in the gnomAD database exceeds the estimated maximal expected allele frequency for disease-causing variants in DHTKD1. However, other potential risk associations with this variant cannot be excluded. To our knowledge, no occurrence of c.(?_-81)_(*2334_?)dup in individuals affected with DHTKD1-related conditions and no experimental evidence demonstrating its impact on protein function have been reported. ClinVar contains entries for similar duplication variants (Variation IDs: 2426496, 2581168). Based on the evidence outlined above, the variant was classified as likely benign.